The following is an entry in ClinVar:

ClinVar aggregate classification (germline): Uncertain significance (1 of 4 stars; one submission).

gnomAD v4.1: 3 of 1,613,320 alleles (0.00019%); highest among the groups gnomAD compares: Non-Finnish European, 0.00025%; no homozygotes.

Submission:

Dasa
Classification: Uncertain significance. Last evaluated: 2025-10-29. Review status: criteria provided, single submitter. Criteria: DASA Assertion Criteria. Collection method: clinical testing. Allele origin: germline.
Comment: NM_002224.4(ITPR3):c.1006-9C>T is a splice-region variant. This variant is rare in population databases. Computational prediction algorithms are consistent with a benign effect. The currently available literature and clinical evidence are not sufficient to establish a definitive association between this variant and the reported condition. Therefore, this variant is classified as a variant of uncertain significance.

NM_002224.4(ITPR3):c.1006-9C>T

Gene: ITPR3 (inositol 1,4,5-trisphosphate receptor type 3; plus strand). Cytogenetic location: 6p21.31.
Variant type: single nucleotide variant.
Coding change: c.1006-9C>T on transcript NM_002224.4 (MANE Select); 9 bases into the intron before coding-DNA position 1006, C replaced by T.
Molecular consequence: intron variant.
Genome position (GRCh38, 1-based): chr6:33,663,729, C>T. VCF-style: chr6-33663729-C-T. GRCh37 (hg19) VCF-style: chr6-33631506-C-T.
Identifiers: ClinVar variation 4884976 (VCV004884976.2).
Genomic context (GRCh38, chr6:33,663,729, plus strand): 5'-GGGATCCCAGGTGCTTCATGGGCTTGAGAAGAGGGAGGGCCTTCTACCTGATTTGGGGTC[C>T]TCATCCAGGGGGCACAGGGCCGCACAGGCCGCAGGAATGCTGGGGAGAAGATCAAGTACT-3'